The following is an entry in ClinVar:

ClinVar aggregate classification (germline): Uncertain significance. Review status: criteria provided, multiple submitters, no conflicts (2 of 4 stars). 2 submissions from 2 submitters: Uncertain significance (2). Last evaluated 2025-01-12.

Conditions:
DICER1-related tumor predisposition. Also called: DICER1 syndrome; DICER1-related pleuropulmonary blastoma cancer predisposition syndrome. Identifiers: Orphanet 284343, MedGen C3839822, MONDO:0100216.
Hereditary cancer-predisposing syndrome. Also called: Neoplastic Syndromes, Hereditary; Tumor predisposition; Hereditary Cancer Syndrome; Hereditary neoplastic syndrome. Identifiers: Orphanet 140162, MedGen C0027672, MeSH D009386, MONDO:0015356.

Submissions (2):

Labcorp Genetics (formerly Invitae), Labcorp
Classification: Uncertain significance for DICER1-related tumor predisposition. Last evaluated: 2025-01-12. Review status: criteria provided, single submitter. Criteria: Invitae Variant Classification Sherloc (09022015). Collection method: clinical testing. Allele origin: germline.
Comment: This sequence change replaces serine, which is neutral and polar, with proline, which is neutral and non-polar, at codon 1618 of the DICER1 protein (p.Ser1618Pro). This variant is not present in population databases (gnomAD no frequency). This variant has not been reported in the literature in individuals affected with DICER1-related conditions. ClinVar contains an entry for this variant (Variation ID: 1743584). Invitae Evidence Modeling of protein sequence and biophysical properties (such as structural, functional, and spatial information, amino acid conservation, physicochemical variation, residue mobility, and thermodynamic stability) indicates that this missense variant is not expected to disrupt DICER1 protein function with a negative predictive value of 95%. In summary, the available evidence is currently insufficient to determine the role of this variant in disease. Therefore, it has been classified as a Variant of Uncertain Significance.

Ambry Genetics
Classification: Uncertain significance for Hereditary cancer-predisposing syndrome. Last evaluated: 2025-01-11. Review status: criteria provided, single submitter. Criteria: Ambry Variant Classification Scheme 2023. Collection method: clinical testing. Allele origin: germline.
Comment: The p.S1618P variant (also known as c.4852T>C), located in coding exon 22 of the DICER1 gene, results from a T to C substitution at nucleotide position 4852. The serine at codon 1618 is replaced by proline, an amino acid with similar properties. This amino acid position is not well conserved in available vertebrate species. In addition, this alteration is predicted to be tolerated by in silico analysis. Based on the available evidence, the clinical significance of this variant remains unclear.

NM_177438.3(DICER1):c.4852T>C (p.Ser1618Pro)

Gene: DICER1 (dicer 1, ribonuclease III; minus strand). Cytogenetic location: 14q32.13.
Variant type: single nucleotide variant.
Coding change: c.4852T>C on transcript NM_177438.3 (MANE Select); coding-DNA position 4852, T replaced by C.
Protein change: p.Ser1618Pro; replaces serine 1618 with proline.
Molecular consequence: missense variant. On other transcripts: non-coding transcript variant (6).
Genome position (GRCh38, 1-based): chr14:95,096,068, A>G on the plus strand (T>C on the coding strand, the complement: DICER1 is on the minus strand). VCF-style: chr14-95096068-A-G. GRCh37 (hg19) VCF-style: chr14-95562405-A-G.
Other names: c.4852T>C, p.Ser1618Pro (NM_001195573.1, NM_001271282.3, NM_001291628.2 and 13 more transcripts); c.4570T>C, p.Ser1524Pro (NM_001395686.1); c.4447T>C, p.Ser1483Pro (NM_001395687.1, NM_001395688.1, NM_001395689.1 and 2 more transcripts); c.4285T>C, p.Ser1429Pro (NM_001395691.1); c.3169T>C, p.Ser1057Pro (NM_001395697.1); short protein forms S1483P, S1618P, S1057P, S1429P, S1524P.
Identifiers: ClinVar variation 1743584 (VCV001743584.5), dbSNP rs2139841994, ClinGen allele CA390866740.